The following is an entry in ClinVar:

NM_000081.4(LYST):c.6764G>C (p.Gly2255Ala)

Gene: LYST (lysosomal trafficking regulator; minus strand). Cytogenetic location: 1q42.3.
Variant type: single nucleotide variant.
Coding change: c.6764G>C on transcript NM_000081.4 (MANE Select); coding-DNA position 6764, G replaced by C.
Protein change: p.Gly2255Ala; replaces glycine 2255 with alanine.
Molecular consequence: missense variant.
Genome position (GRCh38, 1-based): chr1:235,759,089, C>G on the plus strand (G>C on the coding strand, the complement: LYST is on the minus strand). VCF-style: chr1-235759089-C-G. GRCh37 (hg19) VCF-style: chr1-235922389-C-G.
Other names: c.6764G>C, p.Gly2255Ala (NM_001301365.1); short protein forms G2255A.
Identifiers: ClinVar variation 2063588 (VCV002063588.1), dbSNP rs375324243, ClinGen allele CA1466319.

ClinVar aggregate classification (germline): Uncertain significance (1 of 4 stars; one submission).

Conditions:
Chédiak-Higashi syndrome (CHS). Also called: Chediak-Higashi Syndrome. Identifiers: Orphanet 167, MedGen C0007965, MONDO:0008963, OMIM 214500.

Allele frequency attached by ClinVar (database versions not stated): TOPMed below 0.00001; gnomAD 0.00001; ExAC 0.00002; ESP Exome Variant Server 0.00008.
gnomAD v4.1: 54 of 1,614,080 alleles (0.0033%); highest among the groups gnomAD compares: Non-Finnish European, 0.0045%; no homozygotes.

Submission:

Labcorp Genetics (formerly Invitae), Labcorp
Classification: Uncertain significance for Chédiak-Higashi syndrome. Last evaluated: 2022-06-04. Review status: criteria provided, single submitter. Criteria: Invitae Variant Classification Sherloc (09022015). Collection method: clinical testing. Allele origin: germline.
Comment: This sequence change replaces glycine, which is neutral and non-polar, with alanine, which is neutral and non-polar, at codon 2255 of the LYST protein (p.Gly2255Ala). This variant is present in population databases (rs375324243, gnomAD 0.002%). This variant has not been reported in the literature in individuals affected with LYST-related conditions. Algorithms developed to predict the effect of missense changes on protein structure and function are either unavailable or do not agree on the potential impact of this missense change (SIFT: "Tolerated"; PolyPhen-2: "Probably Damaging"; Align-GVGD: "Class C0"). In summary, the available evidence is currently insufficient to determine the role of this variant in disease. Therefore, it has been classified as a Variant of Uncertain Significance.